The following is an entry in ClinVar:

ClinVar aggregate classification (germline): Likely benign (1 of 4 stars; one submission).

Submission:

CeGaT Center for Human Genetics Tuebingen
Classification: Likely benign. Last evaluated: 2023-01-01. Review status: criteria provided, single submitter. Criteria: CeGaT Center For Human Genetics Tuebingen Variant Classification Criteria Version 2. Collection method: clinical testing. Allele origin: germline. Affected: yes. Observed: 1 variant allele.
Comment: AHDC1: PM2:Supporting, BP4, BP7

NM_001371928.1(AHDC1):c.951G>A (p.Leu317=)

Gene: AHDC1 (AT-hook DNA binding motif containing 1; minus strand). Cytogenetic location: 1p36.11.
Variant type: single nucleotide variant.
Coding change: c.951G>A on transcript NM_001371928.1 (MANE Select); coding-DNA position 951, G replaced by A.
Protein change: p.Leu317=; no amino-acid change (leucine 317 retained).
Molecular consequence: synonymous variant.
Genome position (GRCh38, 1-based): chr1:27,551,165, C>T on the plus strand (G>A on the coding strand, the complement: AHDC1 is on the minus strand). VCF-style: chr1-27551165-C-T. GRCh37 (hg19) VCF-style: chr1-27877676-C-T.
Other names: c.951G>A, p.Leu317= (NM_001029882.3).
Identifiers: ClinVar variation 2638572 (VCV002638572.24), dbSNP rs2522054982, ClinGen allele CA416979574.